The following is an entry in ClinVar:

ClinVar aggregate classification (germline): Uncertain significance (1 of 4 stars; one submission).

Conditions:
Hypertrophic cardiomyopathy. Also called: HYPERTROPHIC MYOCARDIOPATHY. Identifiers: Orphanet 217569, MedGen C0007194, MeSH D002312, MONDO:0005045, HP:0001639.

Submission:

Labcorp Genetics (formerly Invitae), Labcorp
Classification: Uncertain significance for Hypertrophic cardiomyopathy. Last evaluated: 2025-01-14. Review status: criteria provided, single submitter. Criteria: Invitae Variant Classification Sherloc (09022015). Collection method: clinical testing. Allele origin: germline.
Comment: This sequence change replaces valine, which is neutral and non-polar, with alanine, which is neutral and non-polar, at codon 449 of the MYBPC3 protein (p.Val449Ala). This variant is not present in population databases (gnomAD no frequency). This variant has not been reported in the literature in individuals affected with MYBPC3-related conditions. An algorithm developed to predict the effect of missense changes on protein structure and function (PolyPhen-2) suggests that this variant is likely to be disruptive. In summary, the available evidence is currently insufficient to determine the role of this variant in disease. Therefore, it has been classified as a Variant of Uncertain Significance.

NM_000256.3(MYBPC3):c.1346T>C (p.Val449Ala)

Gene: MYBPC3 (myosin binding protein C3; minus strand). Cytogenetic location: 11p11.2.
Variant type: single nucleotide variant.
Coding change: c.1346T>C on transcript NM_000256.3 (MANE Select); coding-DNA position 1346, T replaced by C.
Protein change: p.Val449Ala; replaces valine 449 with alanine.
Molecular consequence: missense variant.
Genome position (GRCh38, 1-based): chr11:47,343,026, A>G on the plus strand (T>C on the coding strand, the complement: MYBPC3 is on the minus strand). VCF-style: chr11-47343026-A-G. GRCh37 (hg19) VCF-style: chr11-47364577-A-G.
Other names: short protein forms V449A.
Identifiers: ClinVar variation 3729002 (VCV003729002.2).